The following is an entry in ClinVar:

ClinVar aggregate classification (germline): Likely benign (0 of 4 stars; one submission).

Conditions:
MUC16-related disorder. Also called: MUC16-related condition.

Allele frequency attached by ClinVar (database versions not stated): gnomAD 0.00022; ExAC 0.00090; 1000 Genomes Project 0.00120; 1000 Genomes Project 30x 0.00141.

Submission:

PreventionGenetics, part of Exact Sciences
Classification: Likely benign for MUC16-related condition. Last evaluated: 2020-01-03. Review status: no assertion criteria provided. Collection method: clinical testing. Allele origin: germline.
Comment: This variant is classified as likely benign based on ACMG/AMP sequence variant interpretation guidelines (Richards et al. 2015 PMID: 25741868, with internal and published modifications).

NM_001401501.2(MUC16):c.8833G>A (p.Ala2945Thr)

Gene: MUC16 (mucin 16, cell surface associated; minus strand). Cytogenetic location: 19p13.2.
Variant type: single nucleotide variant.
Coding change: c.8833G>A on transcript NM_001401501.2 (MANE Select); coding-DNA position 8833, G replaced by A.
Protein change: p.Ala2945Thr; replaces alanine 2945 with threonine.
Molecular consequence: missense variant.
Genome position (GRCh38, 1-based): chr19:8,972,426, C>T on the plus strand (G>A on the coding strand, the complement: MUC16 is on the minus strand). VCF-style: chr19-8972426-C-T. GRCh37 (hg19) VCF-style: chr19-9083102-C-T.
Other names: c.9259G>A, p.Ala3087Thr (NM_001414686.1); c.8713G>A, p.Ala2905Thr (NM_001414687.1, NM_024690.2); short protein forms A2905T, A2945T, A3087T.
Identifiers: ClinVar variation 3037985 (VCV003037985.2), dbSNP rs546609813, ClinGen allele CA9171915.
Genomic context (GRCh38, chr19:8,972,426, plus strand): 5'-CTGTGCTTGCATCTGAGTCTGGAATGGTGTTCAGGGACTGTCCAGGAGTTGGTAAAGAAG[C>T]GGACTTAGTATCCAAACTTGGGACCTCAGAAAACTCAAATGTCAAGGTAGACTGTGGGAT-3'
Protein context (NP_001388430.1, residues 2935-2955): SEVPSLDTKS[Ala2945Thr]SLPTPGQSLN